The following is an entry in ClinVar:

ClinVar aggregate classification (germline): Likely benign. Review status: criteria provided, single submitter (1 of 4 stars). 2 submissions from 2 submitters: Likely benign (1). 1 of the submissions does not count toward it. Last evaluated 2026-01-20.

Conditions:
CEP89-related disorder. Also called: CEP89-related condition.

Allele frequency attached by ClinVar (database versions not stated): gnomAD 0.00243 and 0.00262; ESP Exome Variant Server 0.00231; 1000 Genomes Project 30x 0.00234; gnomAD exomes 0.00241 and 0.00197; ExAC 0.00203; 1000 Genomes Project 0.00240; TOPMed 0.00313.
gnomAD v4.1: 3,949 of 1,613,884 alleles (0.24%); highest among the groups gnomAD compares: Admixed American, 0.31%; 10 homozygotes.

Submissions (2):

Labcorp Genetics (formerly Invitae), Labcorp
Classification: Likely benign. Last evaluated: 2026-01-20. Review status: criteria provided, single submitter. Criteria: Invitae Variant Classification Sherloc (09022015). Collection method: clinical testing. Allele origin: germline.

PreventionGenetics, part of Exact Sciences
Classification: Likely benign for CEP89-related condition. Last evaluated: 2022-04-29. Review status: no assertion criteria provided. Collection method: clinical testing. Allele origin: germline. Not counted in ClinVar's aggregate classification.
Comment: This variant is classified as likely benign based on ACMG/AMP sequence variant interpretation guidelines (Richards et al. 2015 PMID: 25741868, with internal and published modifications).

NM_032816.5(CEP89):c.1497A>T (p.Glu499Asp)

Gene: CEP89 (centrosomal protein 89; minus strand). Cytogenetic location: 19q13.11.
Variant type: single nucleotide variant.
Coding change: c.1497A>T on transcript NM_032816.5 (MANE Select); coding-DNA position 1497, A replaced by T.
Protein change: p.Glu499Asp; replaces glutamic acid 499 with aspartic acid.
Molecular consequence: missense variant.
Genome position (GRCh38, 1-based): chr19:32,915,405, T>A on the plus strand (A>T on the coding strand, the complement: CEP89 is on the minus strand). VCF-style: chr19-32915405-T-A. GRCh37 (hg19) VCF-style: chr19-33406311-T-A.
Other names: c.1497A>T (NM_032816.4); short protein forms E499D.
Identifiers: ClinVar variation 1627234 (VCV001627234.10), dbSNP rs61745862, ClinGen allele CA9359280.